The following is an entry in ClinVar:

NM_174936.4(PCSK9):c.1909G>T (p.Ala637Ser)

Gene: PCSK9 (proprotein convertase subtilisin/kexin type 9; plus strand). Cytogenetic location: 1p32.3.
Variant type: single nucleotide variant.
Coding change: c.1909G>T on transcript NM_174936.4 (MANE Select); coding-DNA position 1909, G replaced by T.
Protein change: p.Ala637Ser; replaces alanine 637 with serine.
Molecular consequence: missense variant.
Genome position (GRCh38, 1-based): chr1:55,063,414, G>T. VCF-style: chr1-55063414-G-T. GRCh37 (hg19) VCF-style: chr1-55529087-G-T.
Other names: c.2032G>T, p.Ala678Ser (NM_001407240.1); c.1951G>T, p.Ala651Ser (NM_001407241.1); c.1912G>T, p.Ala638Ser (NM_001407242.1); c.1852G>T, p.Ala618Ser (NM_001407243.1); c.1735G>T, p.Ala579Ser (NM_001407244.1); c.1717G>T, p.Ala573Ser (NM_001407245.1); c.1534G>T, p.Ala512Ser (NM_001407246.1); c.1408G>T, p.Ala470Ser (NM_001407247.1); short protein forms A637S, A618S, A678S, A651S, A470S, A512S, A573S, A579S.
Identifiers: ClinVar variation 919880 (VCV000919880.5), dbSNP rs1644777349, ClinGen allele CA340480640.

ClinVar aggregate classification (germline): Uncertain significance (1 of 4 stars; one submission).

Conditions:
Familial hypercholesterolemia. Also called: Familial hypercholesterolaemia. Identifiers: MedGen C0020445, MONDO:0005439.

Submission:

Color Diagnostics, LLC DBA Color Health
Classification: Uncertain significance for Familial hypercholesterolemia. Last evaluated: 2024-03-06. Review status: criteria provided, single submitter. Criteria: ACMG Guidelines, 2015. Collection method: clinical testing. Allele origin: germline.
Comment: This missense variant replaces alanine with serine at codon 637 of the PCSK9 protein. Computational prediction suggests that this variant may not impact protein structure and function (internally defined REVEL score threshold <= 0.5, PMID: 27666373). Splice site prediction tools suggest that this variant may not impact RNA splicing. To our knowledge, functional studies have not been performed for this variant. This variant has not been reported in individuals affected with familial hypercholesterolemia in the literature. This variant has not been identified in the general population by the Genome Aggregation Database (gnomAD). The available evidence is insufficient to determine the role of this variant in disease conclusively. Therefore, this variant is classified as a Variant of Uncertain Significance.